The following is an entry in ClinVar:

ClinVar aggregate classification (germline): Likely pathogenic (1 of 4 stars; one submission).

Conditions:
Hydrocephalus, nonsyndromic, autosomal recessive 2. Also called: Hydrocephalus, congenital, 2, with or without brain or eye anomalies. Identifiers: Orphanet 2185, MedGen C3554691, MONDO:0014085, OMIM 615219.

Submission:

Juno Genomics, Hangzhou Juno Genomics, Inc
Classification: Likely pathogenic for Hydrocephalus, nonsyndromic, autosomal recessive 2. Review status: criteria provided, single submitter. Criteria: ACMG Guidelines, 2015. Collection method: clinical testing. Allele origin: germline.
Comment: Absent from controls (or at extremely low frequency if recessive) in Genome Aggregation Database.;Null variant in a gene where loss of function (LOF) is a known mechanism of disease.

NM_001378778.1(MPDZ):c.1387G>T (p.Gly463Ter)

Gene: MPDZ (multiple PDZ domain crumbs cell polarity complex component; minus strand). Cytogenetic location: 9p23.
Variant type: single nucleotide variant.
Coding change: c.1387G>T on transcript NM_001378778.1 (MANE Select); coding-DNA position 1387, G replaced by T.
Protein change: p.Gly463Ter; replaces glycine 463 with a stop codon.
Molecular consequence: nonsense.
Genome position (GRCh38, 1-based): chr9:13,206,003, C>A on the plus strand (G>T on the coding strand, the complement: MPDZ is on the minus strand). VCF-style: chr9-13206003-C-A. GRCh37 (hg19) VCF-style: chr9-13206002-C-A.
Other names: c.1387G>T, p.Gly463Ter (NM_001261406.2, NM_001261407.2, NM_001330637.2 and 14 more transcripts); short protein forms G463*.
Identifiers: ClinVar variation 5019032 (VCV005019032.2).
Genomic context (GRCh38, chr9:13,206,003, plus strand): 5'-ACAAATCTGCATCTTTTGTGACGTCTTCCCTTGACATGAGCTCGGCTTCCTGCTTCATTC[C>A]TCTCCTCATTAGTGTCAGGAGCACAGTTTGTCCTGTATGTCGCAATACCTCTACTGCTTG-3'